The following is an entry in ClinVar:

ClinVar aggregate classification (germline): Likely benign. Review status: criteria provided, multiple submitters, no conflicts (2 of 4 stars). 4 submissions from 4 submitters: Likely benign (4). Last evaluated 2025-12-28.

Conditions:
ADGRV1-related disorder. Also called: ADGRV1-related disorders; ADGRV1-related condition.

Allele frequency attached by ClinVar (database versions not stated): ExAC 0.00003; gnomAD exomes 0.00003; gnomAD 0.00004.
gnomAD v4.1: 111 of 1,612,070 alleles (0.0069%); highest among the groups gnomAD compares: Non-Finnish European, 0.009%; no homozygotes.

Submissions (4):

Labcorp Genetics (formerly Invitae), Labcorp
Classification: Likely benign. Last evaluated: 2025-12-28. Review status: criteria provided, single submitter. Criteria: Invitae Variant Classification Sherloc (09022015). Collection method: clinical testing. Allele origin: germline.

PreventionGenetics, part of Exact Sciences
Classification: Likely benign for ADGRV1-related condition. Last evaluated: 2025-02-08. Review status: criteria provided, single submitter. Criteria: ACMG Guidelines, 2015. Collection method: clinical testing. Allele origin: germline.
Comment: This variant is classified as likely benign based on ACMG/AMP sequence variant interpretation guidelines (Richards et al. 2015 PMID: 25741868, with internal and published modifications).

Blueprint Genetics
Classification: Likely benign. Last evaluated: 2024-06-10. Review status: criteria provided, single submitter. Criteria: ACMG Guidelines, 2015. Collection method: clinical testing. Allele origin: germline.

Breakthrough Genomics
Classification: Likely benign. Review status: criteria provided, single submitter. Criteria: ACMG Guidelines, 2015. Collection method: not provided. Allele origin: germline. Inheritance: Autosomal recessive inheritance. Affected: yes.

NM_032119.4(ADGRV1):c.12675C>T (p.Asn4225=)

Gene: ADGRV1 (adhesion G protein-coupled receptor V1; plus strand). Cytogenetic location: 5q14.3.
Variant type: single nucleotide variant.
Coding change: c.12675C>T on transcript NM_032119.4 (MANE Select); coding-DNA position 12675, C replaced by T.
Protein change: p.Asn4225=; no amino-acid change (asparagine 4225 retained).
Molecular consequence: synonymous variant. On other transcripts: non-coding transcript variant (1).
Genome position (GRCh38, 1-based): chr5:90,778,435, C>T. VCF-style: chr5-90778435-C-T. GRCh37 (hg19) VCF-style: chr5-90074252-C-T.
Other names: c.12675C>T (NM_032119.3).
Identifiers: ClinVar variation 1654830 (VCV001654830.11), dbSNP rs747049646, ClinGen allele CA3341315.